The following is an entry in ClinVar:

NM_003896.4(ST3GAL5):c.963C>G (p.Ile321Met)

Gene: ST3GAL5 (ST3 beta-galactoside alpha-2,3-sialyltransferase 5; minus strand). Cytogenetic location: 2p11.2.
Variant type: single nucleotide variant.
Coding change: c.963C>G on transcript NM_003896.4 (MANE Select); coding-DNA position 963, C replaced by G.
Protein change: p.Ile321Met; replaces isoleucine 321 with methionine.
Molecular consequence: missense variant. On other transcripts: intron variant (1).
Genome position (GRCh38, 1-based): chr2:85,844,441, G>C on the plus strand (C>G on the coding strand, the complement: ST3GAL5 is on the minus strand). VCF-style: chr2-85844441-G-C. GRCh37 (hg19) VCF-style: chr2-86071564-G-C.
Other names: c.894C>G, p.Ile298Met (NM_001042437.2); c.579C>G, p.Ile193Met (NM_001354223.2, NM_001354224.2, NM_001354226.2 and 3 more transcripts); c.879C>G, p.Ile293Met (NM_001354227.2, NM_001354229.2, NM_001354238.1); c.240C>G, p.Ile80Met (NM_001354247.1); c.849+1936C>G (NM_001363847.1); short protein forms I193M, I293M, I298M, I321M, I80M.
Identifiers: ClinVar variation 837292 (VCV000837292.2), dbSNP rs1395818245, ClinGen allele CA347503446.

ClinVar aggregate classification (germline): Uncertain significance. Review status: criteria provided, multiple submitters, no conflicts (2 of 4 stars). 2 submissions from 2 submitters: Uncertain significance (2). Last evaluated 2025-10-24.

Conditions:
Inborn genetic diseases. Identifiers: MedGen C0950123, MeSH D030342.
GM3 synthase deficiency (SPDRS). Also called: SALT AND PEPPER DEVELOPMENTAL REGRESSION SYNDROME; AMISH INFANTILE EPILEPSY SYNDROME; SALT AND PEPPER MENTAL RETARDATION SYNDROME. Identifiers: Orphanet 171714, Orphanet 370933, MedGen C1836824, MONDO:0018274, OMIM 609056.

Submissions (2):

Ambry Genetics
Classification: Uncertain significance for Inborn genetic diseases. Last evaluated: 2025-10-24. Review status: criteria provided, single submitter. Criteria: Ambry Variant Classification Scheme 2023. Collection method: clinical testing. Allele origin: germline.

Labcorp Genetics (formerly Invitae), Labcorp
Classification: Uncertain significance for Salt and pepper developmental regression syndrome. Last evaluated: 2019-03-15. Review status: criteria provided, single submitter. Criteria: Invitae Variant Classification Sherloc (09022015). Collection method: clinical testing. Allele origin: germline.
Comment: This sequence change replaces isoleucine with methionine at codon 321 of the ST3GAL5 protein (p.Ile321Met). The isoleucine residue is highly conserved and there is a small physicochemical difference between isoleucine and methionine. This variant is not present in population databases (ExAC no frequency). This variant has not been reported in the literature in individuals with ST3GAL5-related conditions. Algorithms developed to predict the effect of missense changes on protein structure and function output the following: SIFT: "Deleterious"; PolyPhen-2: "Benign"; Align-GVGD: "Class C0". The methionine amino acid residue is found in multiple mammalian species, suggesting that this missense change does not adversely affect protein function. These predictions have not been confirmed by published functional studies and their clinical significance is uncertain. In summary, the available evidence is currently insufficient to determine the role of this variant in disease. Therefore, it has been classified as a Variant of Uncertain Significance.